The following is an entry in ClinVar:

NM_003482.4(KMT2D):c.6231G>T (p.Gln2077His)

Gene: KMT2D (lysine methyltransferase 2D; minus strand). Cytogenetic location: 12q13.12.
Variant type: single nucleotide variant.
Coding change: c.6231G>T on transcript NM_003482.4 (MANE Select); coding-DNA position 6231, G replaced by T.
Protein change: p.Gln2077His; replaces glutamine 2077 with histidine.
Molecular consequence: missense variant.
Genome position (GRCh38, 1-based): chr12:49,041,658, C>A on the plus strand (G>T on the coding strand, the complement: KMT2D is on the minus strand). VCF-style: chr12-49041658-C-A. GRCh37 (hg19) VCF-style: chr12-49435441-C-A.
Other names: short protein forms Q2077H.
Identifiers: ClinVar variation 4688438 (VCV004688438.1).

ClinVar aggregate classification (germline): Uncertain significance (1 of 4 stars; one submission).

Submission:

Women's Health and Genetics/Laboratory Corporation of America, LabCorp
Classification: Uncertain significance. Last evaluated: 2025-12-09. Review status: criteria provided, single submitter. Criteria: LabCorp Variant Classification Summary - May 2015. Collection method: clinical testing. Allele origin: germline.
Comment: Variant summary: KMT2D c.6231G>T (p.Gln2077His) results in a non-conservative amino acid change in the encoded protein sequence. Algorithms developed to predict the effect of missense changes on protein structure and function all suggest that this variant is likely to be disruptive. The variant was absent in 247798 control chromosomes (gnomAD). The available data on variant occurrences in the general population are insufficient to allow any conclusion about variant significance. To our knowledge, no occurrence of c.6231G>T in individuals affected with KMT2D-related conditions and no experimental evidence demonstrating its impact on protein function have been reported. No submitters have cited clinical-significance assessments for this variant to ClinVar. Based on the evidence outlined above, the variant was classified as uncertain significance.